The following is an entry in ClinVar:

ClinVar aggregate classification (germline): Uncertain significance. Review status: criteria provided, multiple submitters, no conflicts (2 of 4 stars). 2 submissions from 2 submitters: Uncertain significance (2). Last evaluated 2025-05-06.

Conditions:
Hereditary cancer-predisposing syndrome. Also called: Hereditary neoplastic syndrome; Neoplastic Syndromes, Hereditary; Tumor predisposition; Hereditary Cancer Syndrome. Identifiers: Orphanet 140162, MedGen C0027672, MeSH D009386, MONDO:0015356.

Submissions (2):

Labcorp Genetics (formerly Invitae), Labcorp
Classification: Uncertain significance. Last evaluated: 2025-05-06. Review status: criteria provided, single submitter. Criteria: Invitae Variant Classification Sherloc (09022015). Collection method: clinical testing. Allele origin: germline.
Comment: This sequence change replaces aspartic acid, which is acidic and polar, with glutamic acid, which is acidic and polar, at codon 388 of the CTNNA1 protein (p.Asp388Glu). This variant is not present in population databases (gnomAD no frequency). This variant has not been reported in the literature in individuals affected with CTNNA1-related conditions. Invitae Evidence Modeling of protein sequence and biophysical properties (such as structural, functional, and spatial information, amino acid conservation, physicochemical variation, residue mobility, and thermodynamic stability) indicates that this missense variant is expected to disrupt CTNNA1 protein function with a positive predictive value of 80%. In summary, the available evidence is currently insufficient to determine the role of this variant in disease. Therefore, it has been classified as a Variant of Uncertain Significance.

Ambry Genetics
Classification: Uncertain significance for Hereditary cancer-predisposing syndrome. Last evaluated: 2025-02-03. Review status: criteria provided, single submitter. Criteria: Ambry Variant Classification Scheme 2023. Collection method: clinical testing. Allele origin: germline.
Comment: The p.D388E variant (also known as c.1164C>A), located in coding exon 8 of the CTNNA1 gene, results from a C to A substitution at nucleotide position 1164. The aspartic acid at codon 388 is replaced by glutamic acid, an amino acid with highly similar properties. This amino acid position is conserved. In addition, the in silico prediction for this alteration is inconclusive. Based on the available evidence, the clinical significance of this variant remains unclear.

NM_001903.5(CTNNA1):c.1164C>A (p.Asp388Glu)

Gene: CTNNA1 (catenin alpha 1; plus strand). Cytogenetic location: 5q31.2.
Variant type: single nucleotide variant.
Coding change: c.1164C>A on transcript NM_001903.5 (MANE Select); coding-DNA position 1164, C replaced by A.
Protein change: p.Asp388Glu; replaces aspartic acid 388 with glutamic acid.
Molecular consequence: missense variant. On other transcripts: 5 prime UTR variant (5), intron variant (2).
Genome position (GRCh38, 1-based): chr5:138,887,510, C>A. VCF-style: chr5-138887510-C-A. GRCh37 (hg19) VCF-style: chr5-138223199-C-A.
Other names: c.795C>A, p.Asp265Glu (NM_001290310.3); c.54C>A, p.Asp18Glu (NM_001290312.1, NM_001323987.1, NM_001323988.1 and 18 more transcripts); c.1164C>A, p.Asp388Glu (NM_001290307.3, NM_001323982.2, NM_001323983.1 and 3 more transcripts); c.855C>A, p.Asp285Glu (NM_001290309.3); c.-344C>A (NM_001324006.1, NM_001324007.1, NM_001324008.1 and 1 more transcripts); c.-219C>A (NM_001324013.1); c.-58+11913C>A (NM_001324012.1); c.-61+11913C>A (NM_001324010.1); short protein forms D18E, D265E, D285E, D388E.
Identifiers: ClinVar variation 3837180 (VCV003837180.2).